The following is an entry in ClinVar:

ClinVar aggregate classification (germline): Uncertain significance (1 of 4 stars; one submission).

Submission:

Labcorp Genetics (formerly Invitae), Labcorp
Classification: Uncertain significance. Last evaluated: 2022-02-03. Review status: criteria provided, single submitter. Criteria: Invitae Variant Classification Sherloc (09022015). Collection method: clinical testing. Allele origin: germline.
Comment: Algorithms developed to predict the effect of missense changes on protein structure and function output the following: SIFT: "Tolerated"; PolyPhen-2: "Not Available"; Align-GVGD: "Class C0". The alanine amino acid residue is found in multiple mammalian species, which suggests that this missense change does not adversely affect protein function. This sequence change replaces threonine, which is neutral and polar, with alanine, which is neutral and non-polar, at codon 4687 of the PCLO protein (p.Thr4687Ala). This variant is not present in population databases (gnomAD no frequency). This variant has not been reported in the literature in individuals affected with PCLO-related conditions. In summary, the available evidence is currently insufficient to determine the role of this variant in disease. Therefore, it has been classified as a Variant of Uncertain Significance.

NM_033026.6(PCLO):c.14059A>G (p.Thr4687Ala)

Gene: PCLO (piccolo presynaptic cytomatrix protein; minus strand). Cytogenetic location: 7q21.11.
Variant type: single nucleotide variant.
Coding change: c.14059A>G on transcript NM_033026.6 (MANE Select); coding-DNA position 14059, A replaced by G.
Protein change: p.Thr4687Ala; replaces threonine 4687 with alanine.
Molecular consequence: missense variant.
Genome position (GRCh38, 1-based): chr7:82,841,497, T>C on the plus strand (A>G on the coding strand, the complement: PCLO is on the minus strand). VCF-style: chr7-82841497-T-C. GRCh37 (hg19) VCF-style: chr7-82470813-T-C.
Other names: c.14059A>G, p.Thr4687Ala (NM_014510.3); short protein forms T4687A.
Identifiers: ClinVar variation 1439466 (VCV001439466.8), dbSNP rs2115780996, ClinGen allele CA367878615.
Genomic context (GRCh38, chr7:82,841,497, plus strand): 5'-GACTTTTTAAAAAACTTCATACCTGAATTTCTCCTGTAATTGGATGAGAGACAACCTTTG[T>C]TCCATCGGTAGGCTGTAATATTAAAGAACATATATTACATTAATAGATACATTTTTCACA-3'
Protein context (NP_149015.2, residues 4677-4697): KHGSSKPTDG[Thr4687Ala]KVVSHPITGE